The following is an entry in ClinVar:

ClinVar aggregate classification (germline): Likely pathogenic (1 of 4 stars; one submission).

Conditions:
Cardiovascular phenotype. Identifiers: MedGen CN230736.

Allele frequency attached by ClinVar (database versions not stated): gnomAD exomes below 0.00001.
gnomAD v4.1: 1 of 1,613,484 alleles (0.000062%); highest among the groups gnomAD compares: Admixed American, 0.0017%; no homozygotes.

Submission:

Ambry Genetics
Classification: Likely pathogenic for Cardiovascular phenotype. Last evaluated: 2022-07-26. Review status: criteria provided, single submitter. Criteria: Ambry Variant Classification Scheme 2023. Collection method: clinical testing. Allele origin: germline.
Comment: The p.L17506* variant (also known as c.52517T>G), located in coding exon 153 of the TTN gene, results from a T to G substitution at nucleotide position 52517. This changes the amino acid from a leucine to a stop codon within coding exon 153. This exon is located in the A-band region of the N2-B isoform of the titin protein and is constitutively expressed in TTN transcripts (percent spliced in or PSI 100%). This variant is considered to be rare based on population cohorts in the Genome Aggregation Database (gnomAD). In addition, this alteration is expected to result in loss of function by premature protein truncation or nonsense-mediated mRNA decay. While truncating variants in TTN are present in 1-3% of the general population, truncating variants in the A-band are the most common cause of dilated cardiomyopathy (DCM) (Herman DS et al. N. Engl. J. Med., 2012 Feb;366:619-28; Roberts AM et al. Sci Transl Med, 2015 Jan;7:270ra6). TTN truncating variants encoded in constitutive exons (PSI >90%) have been found to be significantly associated with DCM regardless of their position in titin (Schafer S et al. Nat. Genet., 2017 01;49:46-53). Based on the majority of available evidence to date, this variant is likely to be pathogenic.

NM_001267550.2(TTN):c.79712T>G (p.Leu26571Ter)

Genes: TTN (titin; minus strand), TTN-AS1 (TTN antisense RNA 1; plus strand). Cytogenetic location: 2q31.2.
Variant type: single nucleotide variant.
Coding change: c.79712T>G on transcript NM_001267550.2 (MANE Select); coding-DNA position 79712, T replaced by G.
Protein change: p.Leu26571Ter; replaces leucine 26571 with a stop codon.
Molecular consequence: nonsense.
Genome position (GRCh38, 1-based): chr2:178,566,420, A>C on the plus strand (T>G on the coding strand, the complement: TTN is on the minus strand). VCF-style: chr2-178566420-A-C. GRCh37 (hg19) VCF-style: chr2-179431147-A-C.
Other names: c.74789T>G, p.Leu24930Ter (NM_001256850.1); c.52517T>G, p.Leu17506Ter (NM_003319.4); c.72008T>G, p.Leu24003Ter (NM_133378.4); c.52892T>G, p.Leu17631Ter (NM_133432.3); c.53093T>G, p.Leu17698Ter (NM_133437.4); short protein forms L17631*, L17698*, L26571*, L24003*, L24930*, L17506*.
Identifiers: ClinVar variation 1746367 (VCV001746367.2), dbSNP rs2468284394, ClinGen allele CA349594243.